The following is an entry in ClinVar:

ClinVar aggregate classification (germline): Pathogenic/Likely pathogenic. Review status: criteria provided, multiple submitters, no conflicts (2 of 4 stars). 8 submissions from 8 submitters: Pathogenic (6); Likely pathogenic (1). 1 of the submissions does not count toward it. Last evaluated 2025-01-01.

Conditions:
21-Hydroxylase-Deficient Congenital Adrenal Hyperplasia. Also called: ADRENAL HYPERPLASIA, CONGENITAL, DUE TO 21-HYDROXYLASE DEFICIENCY; ADRENAL HYPERPLASIA III. Identifiers: MedGen C2936858, OMIM 201910.
CYP21A2-related disorder. Also called: CYP21A2-related condition.

Allele frequency attached by ClinVar (database versions not stated): gnomAD exomes 0.00002; gnomAD 0.00004; ExAC 0.00009.
gnomAD v4.1: 22 of 1,240,812 alleles (0.0018%); highest among the groups gnomAD compares: African/African-American, 0.012%; no homozygotes.

Submissions (8):

PreventionGenetics, part of Exact Sciences
Classification: Pathogenic for CYP21A2-related condition. Last evaluated: 2025-01-01. Review status: criteria provided, single submitter. Criteria: ACMG Guidelines, 2015. Collection method: clinical testing. Allele origin: germline.
Comment: The CYP21A2 c.1273G>A variant is predicted to result in the amino acid substitution p.Gly425Ser. Also known as G424S, this variant has been reported to be associated with simple virilizing (SV) form of congenital adrenal hyperplasia (CAH) (see for example, de Carvalho et al. 2016. PubMed ID: 27185867; Billerbeck et al. 1999. PubMed ID: 10443693). This variant has been commonly found in Brazilian patients in the studies above, suggesting a founder effect. This variant is interpreted as pathogenic.

Labcorp Genetics (formerly Invitae), Labcorp
Classification: Pathogenic. Last evaluated: 2024-03-11. Review status: criteria provided, single submitter. Criteria: Invitae Variant Classification Sherloc (09022015). Collection method: clinical testing. Allele origin: germline.
Comment: This sequence change replaces glycine, which is neutral and non-polar, with serine, which is neutral and polar, at codon 425 of the CYP21A2 protein (p.Gly425Ser). The frequency data for this variant in the population databases (gnomAD) is considered unreliable due to the presence of homologous sequence, such as pseudogenes or paralogs, in the genome. This missense change has been observed in individual(s) with classic salt-wasting, simple virilizing, and/or non-classic congenital adrenal hyperplasia due to 21-hydroxylase deficiency (PMID: 10443693, 16427797, 20080860, 27185867). This variant is also known as G424S. ClinVar contains an entry for this variant (Variation ID: 804725). Advanced modeling of protein sequence and biophysical properties (such as structural, functional, and spatial information, amino acid conservation, physicochemical variation, residue mobility, and thermodynamic stability) performed at Invitae indicates that this missense variant is expected to disrupt CYP21A2 protein function with a positive predictive value of 80%. Experimental studies have shown that this missense change affects CYP21A2 function (PMID: 20080860). For these reasons, this variant has been classified as Pathogenic.

Blueprint Genetics
Classification: Pathogenic for CYP21A2-related disorders. Last evaluated: 2022-05-14. Review status: criteria provided, single submitter. Criteria: ACMG Guidelines, 2015. Collection method: clinical testing. Allele origin: germline. Affected: yes. Observed: 5 variant alleles.

Mendelics
Classification: Pathogenic for 21-Hydroxylase-Deficient Congenital Adrenal Hyperplasia. Last evaluated: 2022-05-04. Review status: criteria provided, single submitter. Criteria: Mendelics Assertion Criteria 2019. Collection method: clinical testing. Allele origin: germline.

Fulgent Genetics
Classification: Likely pathogenic for 21-Hydroxylase-Deficient Congenital Adrenal Hyperplasia. Last evaluated: 2022-02-04. Review status: criteria provided, single submitter. Criteria: ACMG Guidelines, 2015. Collection method: clinical testing. Allele origin: unknown.

Athena Diagnostics
Classification: Pathogenic. Last evaluated: 2018-09-25. Review status: criteria provided, single submitter. Criteria: Athena Diagnostics Criteria. Collection method: clinical testing. Allele origin: germline.
Comment: The best available variant frequency is uninformative because it is below the disease allele frequency. Found in at least one symptomatic patient. Predicted to have a damaging effect on the protein. Located in potentially critical domain of the protein. Occurs in three or more cases with a recessive pathogenic variant in the same gene. Damaging to protein function(s) relevant to disease mechanism. Very strong co-segregation with disease. However, available data lack unaffected family members.

Quest Diagnostics Nichols Institute San Juan Capistrano
Classification: Pathogenic. Last evaluated: 2018-09-25. Review status: criteria provided, single submitter. Criteria: Quest Diagnostics criteria. Collection method: clinical testing. Allele origin: unknown.
Comment: The frequency of this variant in the general population, 0.000018 (3/163636 chromosomes), is uninformative in assessment of its pathogenicity. In the published literature, the variant has been reported in multiple patients affected with classical simple virilizing (SV) CAH, as well as in patients with a non-classic (NC) CAH phenotype (PMID: 10443693 (1999), 16427797 (2006), 17803691 (2008), 20661889 (2010), 24622265 (2013), 27185867 (2016), 33864926 (2021)). Functional studies have shown that this variant had very little enzymatic activity (PMID: 20080860 (2010)). Based on the available information, this variant is classified as pathogenic.

OMIM
Classification: Pathogenic for ADRENAL HYPERPLASIA, CONGENITAL, DUE TO 21-HYDROXYLASE DEFICIENCY. Last evaluated: 1999-08-01. Review status: no assertion criteria provided. Collection method: literature only. Allele origin: germline. Not counted in ClinVar's aggregate classification.

Literature cited by the submitters: PubMed 10443693 (cited by 4 submitters); PubMed 16427797 (cited by 3 submitters); PubMed 20080860 (cited by 3 submitters); PubMed 27185867 (cited by 3 submitters); PubMed 26172259 (cited by Athena Diagnostics and Quest Diagnostics Nichols Institute San Juan Capistrano); PubMed 20661889 (cited by Athena Diagnostics and Quest Diagnostics Nichols Institute San Juan Capistrano); PubMed 28819757 (cited by Athena Diagnostics and Quest Diagnostics Nichols Institute San Juan Capistrano); PubMed 30048636 (cited by Athena Diagnostics and Quest Diagnostics Nichols Institute San Juan Capistrano); PubMed 23322511 (cited by Athena Diagnostics and Quest Diagnostics Nichols Institute San Juan Capistrano); PubMed 16793961 (cited by Athena Diagnostics and Quest Diagnostics Nichols Institute San Juan Capistrano); PubMed 15670187 (cited by Athena Diagnostics and Quest Diagnostics Nichols Institute San Juan Capistrano); PubMed 16788163 (cited by Athena Diagnostics and Quest Diagnostics Nichols Institute San Juan Capistrano); PubMed 21534945 (cited by Athena Diagnostics and Quest Diagnostics Nichols Institute San Juan Capistrano); PubMed 17803691 (cited by Athena Diagnostics and Quest Diagnostics Nichols Institute San Juan Capistrano); PubMed 24622265 (cited by Athena Diagnostics and Quest Diagnostics Nichols Institute San Juan Capistrano); PubMed 21609351 (cited by Athena Diagnostics and Quest Diagnostics Nichols Institute San Juan Capistrano); PubMed 33864926 (cited by Quest Diagnostics Nichols Institute San Juan Capistrano).

NM_000500.9(CYP21A2):c.1273G>A (p.Gly425Ser)

Genes: CYP21A2 (cytochrome P450 family 21 subfamily A member 2; plus strand), LOC106780800 (CYP21A2 recombination region; plus strand). Cytogenetic location: 6p21.33.
Variant type: single nucleotide variant.
Coding change: c.1273G>A on transcript NM_000500.9 (MANE Select); coding-DNA position 1273, G replaced by A.
Protein change: p.Gly425Ser; replaces glycine 425 with serine.
Molecular consequence: missense variant.
Genome position (GRCh38, 1-based): chr6:32,040,919, G>A. VCF-style: chr6-32040919-G-A. GRCh37 (hg19) VCF-style: chr6-32008696-G-A.
Other names: G424S; c.1183G>A, p.Gly395Ser (NM_001128590.4); c.868G>A, p.Gly290Ser (NM_001368143.2, NM_001368144.2); short protein forms G290S, G425S, G395S.
Identifiers: ClinVar variation 804725 (VCV000804725.14), dbSNP rs72552758, ClinGen allele CA3732715.